The following is an entry in ClinVar:

NM_016579.4(CD320):c.840G>A (p.Ser280=)

Gene: CD320 (CD320 molecule; minus strand). Cytogenetic location: 19p13.2.
Variant type: single nucleotide variant.
Coding change: c.840G>A on transcript NM_016579.4 (MANE Select); coding-DNA position 840, G replaced by A.
Protein change: p.Ser280=; no amino-acid change (serine 280 retained).
Molecular consequence: synonymous variant.
Genome position (GRCh38, 1-based): chr19:8,302,472, C>T on the plus strand (G>A on the coding strand, the complement: CD320 is on the minus strand). VCF-style: chr19-8302472-C-T. GRCh37 (hg19) VCF-style: chr19-8367356-C-T.
Other names: c.714G>A, p.Ser238= (NM_001165895.2).
Identifiers: ClinVar variation 381271 (VCV000381271.23), dbSNP rs2232787, ClinGen allele CA9154597.
Genomic context (GRCh38, chr19:8,302,472, plus strand): 5'-CCTGTCCGGCTACGCCCAGGGCTGAGTGACGGTGGTGGCAAGTGCTTGTCCTCAGGGCAG[C>T]GAGGTCTTCTGTTCTGACAGCAGCAGGGACTCCTTCATGGCCACCAGTAACCCCAGTGGG-3'
Protein context (NP_057663.1, residues 270-282): ESLLLSEQKT[Ser280=]LP

ClinVar aggregate classification (germline): Benign/Likely benign. Review status: criteria provided, multiple submitters, no conflicts (2 of 4 stars). 5 submissions from 5 submitters: Benign (1); Likely benign (4). Last evaluated 2025-12-15.

Conditions:
Methylmalonic acidemia due to transcobalamin receptor defect (MATR). Also called: METHYLMALONIC ACIDURIA, TRANSIENT, DUE TO TRANSCOBALAMIN RECEPTOR DEFECT; METHYLMALONIC ACIDEMIA, TCblR TYPE. Identifiers: Orphanet 280183, MedGen C4749905, MONDO:0013341, OMIM 613646.

Allele frequency attached by ClinVar (database versions not stated): gnomAD exomes 0.00058 and 0.00027; ExAC 0.00072; TOPMed 0.00252; gnomAD 0.00254 and 0.00264; ESP Exome Variant Server 0.00277; 1000 Genomes Project 0.00280; 1000 Genomes Project 30x 0.00297.
gnomAD v4.1: 786 of 1,614,116 alleles (0.049%); highest among the groups gnomAD compares: African/African-American, 0.87%; 3 homozygotes.

Submissions (5):

Labcorp Genetics (formerly Invitae), Labcorp
Classification: Benign for Methylmalonic acidemia due to transcobalamin receptor defect. Last evaluated: 2025-12-15. Review status: criteria provided, single submitter. Criteria: Invitae Variant Classification Sherloc (09022015). Collection method: clinical testing. Allele origin: germline.

CeGaT Center for Human Genetics Tuebingen
Classification: Likely benign. Last evaluated: 2025-09-01. Review status: criteria provided, single submitter. Criteria: CeGaT Center For Human Genetics Tuebingen Variant Classification Criteria Version 2. Collection method: clinical testing. Allele origin: germline. Affected: yes. Observed: 1 variant allele.
Comment: CD320: BP4, BP7

Blueprint Genetics
Classification: Likely benign. Last evaluated: 2024-07-04. Review status: criteria provided, single submitter. Criteria: ACMG Guidelines, 2015. Collection method: clinical testing. Allele origin: germline.

GeneDx
Classification: Likely benign. Last evaluated: 2018-11-26. Review status: criteria provided, single submitter. Criteria: GeneDx Variant Classification Process June 2021. Collection method: clinical testing. Allele origin: germline. Affected: yes.

Breakthrough Genomics
Classification: Likely benign. Review status: criteria provided, single submitter. Criteria: ACMG Guidelines, 2015. Collection method: not provided. Allele origin: germline. Inheritance: Autosomal recessive inheritance. Affected: yes.